The following is an entry in ClinVar:

ClinVar aggregate classification (germline): Likely pathogenic (1 of 4 stars; one submission).

Submission:

GeneDx
Classification: Likely pathogenic. Last evaluated: 2023-02-23. Review status: criteria provided, single submitter. Criteria: GeneDx Variant Classification Process June 2021. Collection method: clinical testing. Allele origin: germline. Affected: yes.
Comment: Canonical splice site variant expected to result in aberrant splicing, although in the absence of functional evidence the actual effect of this sequence change is unknown.; Not observed at significant frequency in large population cohorts (gnomAD); Has not been previously published as pathogenic or benign to our knowledge

NM_012472.6(DNAAF11):c.836+2T>G

Gene: DNAAF11 (dynein axonemal assembly factor 11; minus strand). Cytogenetic location: 8q24.22.
Variant type: single nucleotide variant.
Coding change: c.836+2T>G on transcript NM_012472.6 (MANE Select); the canonical splice donor site of the intron after coding-DNA position 836, T replaced by G.
Molecular consequence: splice donor variant.
Genome position (GRCh38, 1-based): chr8:132,625,270, A>C on the plus strand (T>G on the coding strand, the complement: DNAAF11 is on the minus strand). VCF-style: chr8-132625270-A-C. GRCh37 (hg19) VCF-style: chr8-133637516-A-C.
Other names: c.590+2T>G (NM_001321962.2); c.836+2T>G (NM_001321961.2); c.476+2T>G (NM_001321966.2, NM_001321963.2, NM_001321964.2 and 1 more transcripts).
Identifiers: ClinVar variation 2577624 (VCV002577624.1), dbSNP rs2537924600, ClinGen allele CA372294461.